The following is an entry in ClinVar:

ClinVar aggregate classification (germline): Likely benign (0 of 4 stars; one submission).

Conditions:
HSPA1L-related disorder. Also called: HSPA1L-related condition.

Allele frequency attached by ClinVar (database versions not stated): ExAC 0.00004.
gnomAD v4.1: 49 of 1,614,070 alleles (0.003%); highest among the groups gnomAD compares: Middle Eastern, 0.066%; no homozygotes.

Submission:

PreventionGenetics, part of Exact Sciences
Classification: Likely benign for HSPA1L-related condition. Last evaluated: 2019-07-30. Review status: no assertion criteria provided. Collection method: clinical testing. Allele origin: germline.
Comment: This variant is classified as likely benign based on ACMG/AMP sequence variant interpretation guidelines (Richards et al. 2015 PMID: 25741868, with internal and published modifications).

NM_005527.4(HSPA1L):c.1053G>C (p.Leu351=)

Gene: HSPA1L (heat shock protein family A (Hsp70) member 1 like; minus strand). Cytogenetic location: 6p21.33.
Variant type: single nucleotide variant.
Coding change: c.1053G>C on transcript NM_005527.4 (MANE Select); coding-DNA position 1053, G replaced by C.
Protein change: p.Leu351=; no amino-acid change (leucine 351 retained).
Molecular consequence: synonymous variant.
Genome position (GRCh38, 1-based): chr6:31,810,920, C>G on the plus strand (G>C on the coding strand, the complement: HSPA1L is on the minus strand). VCF-style: chr6-31810920-C-G. GRCh37 (hg19) VCF-style: chr6-31778697-C-G.
Identifiers: ClinVar variation 3035591 (VCV003035591.2), dbSNP rs199780750, ClinGen allele CA3723969.